The following is an entry in ClinVar:

NM_001367624.2(ZNF469):c.4772C>T (p.Ala1591Val)

Gene: ZNF469 (zinc finger protein 469; plus strand). Cytogenetic location: 16q24.2.
Variant type: single nucleotide variant.
Coding change: c.4772C>T on transcript NM_001367624.2 (MANE Select); coding-DNA position 4772, C replaced by T.
Protein change: p.Ala1591Val; replaces alanine 1591 with valine.
Molecular consequence: missense variant.
Genome position (GRCh38, 1-based): chr16:88,432,242, C>T. VCF-style: chr16-88432242-C-T. GRCh37 (hg19) VCF-style: chr16-88498650-C-T.
Other names: NM_001127464.1:c.4688C>T; short protein forms A1591V.
Identifiers: ClinVar variation 3476228 (VCV003476228.1).

ClinVar aggregate classification (germline): Uncertain significance (1 of 4 stars; one submission).

Conditions:
Cardiovascular phenotype. Identifiers: MedGen CN230736.

gnomAD v4.1: 1 of 1,548,948 alleles (0.000065%); highest among the groups gnomAD compares: African/African-American, 0.0014%; no homozygotes.

Submission:

Ambry Genetics
Classification: Uncertain significance for Cardiovascular phenotype. Last evaluated: 2024-10-07. Review status: criteria provided, single submitter. Criteria: Ambry Variant Classification Scheme 2023. Collection method: clinical testing. Allele origin: germline.
Comment: The p.A1563V variant (also known as c.4688C>T), located in coding exon 2 of the ZNF469 gene, results from a C to T substitution at nucleotide position 4688. The alanine at codon 1563 is replaced by valine, an amino acid with similar properties. This amino acid position is conserved. In addition, this alteration is predicted to be tolerated by in silico analysis. Based on the available evidence, the clinical significance of this variant remains unclear.